The following is an entry in ClinVar:

NM_001001671.4(MAP3K15):c.884T>G (p.Ile295Ser)

Gene: MAP3K15 (mitogen-activated protein kinase kinase kinase 15; minus strand). Cytogenetic location: Xp22.12.
Variant type: single nucleotide variant.
Coding change: c.884T>G on transcript NM_001001671.4 (MANE Select); coding-DNA position 884, T replaced by G.
Protein change: p.Ile295Ser; replaces isoleucine 295 with serine.
Molecular consequence: missense variant.
Genome position (GRCh38, 1-based): chrX:19,459,989, A>C on the plus strand (T>G on the coding strand, the complement: MAP3K15 is on the minus strand). VCF-style: chrX-19459989-A-C. GRCh37 (hg19) VCF-style: chrX-19478107-A-C.
Other names: short protein forms I295S.
Identifiers: ClinVar variation 2628808 (VCV002628808.3), dbSNP rs952918430, ClinGen allele CA327050085.

ClinVar aggregate classification (germline): Uncertain significance. Review status: criteria provided, multiple submitters, no conflicts (2 of 4 stars). 2 submissions from 2 submitters: Uncertain significance (2). Last evaluated 2026-01-14.

Conditions:
MAP3K15-related disorder. Also called: MAP3K15-related condition.

gnomAD v4.1: 11 of 1,143,884 alleles (0.00096%); highest among the groups gnomAD compares: African/African-American, 0.0018%; no homozygotes.

Submissions (2):

PreventionGenetics, part of Exact Sciences
Classification: Uncertain significance for MAP3K15-related condition. Last evaluated: 2026-01-14. Review status: criteria provided, single submitter. Criteria: ACMG Guidelines, 2015. Collection method: clinical testing. Allele origin: germline.
Comment: The MAP3K15 c.884T>G variant is predicted to result in the amino acid substitution p.Ile295Ser. To our knowledge, this variant has not been reported in the literature or in a large population database (gnomAD), indicating this variant is rare. At this time, the clinical significance of this variant is uncertain due to the absence of conclusive functional and genetic evidence.

Ambry Genetics
Classification: Uncertain significance. Last evaluated: 2025-08-09. Review status: criteria provided, single submitter. Criteria: Ambry Variant Classification Scheme 2023. Collection method: clinical testing. Allele origin: germline.